The following is an entry in ClinVar:

ClinVar aggregate classification (germline): Uncertain significance (1 of 4 stars; one submission).

Conditions:
Primary ciliary dyskinesia. Also called: Ciliary dyskinesia. Identifiers: Orphanet 244, MedGen C0008780, MONDO:0016575, HP:0012265.

Allele frequency attached by ClinVar (database versions not stated): gnomAD 0.00005 and 0.00004; ExAC 0.00001; gnomAD exomes 0.00001; TOPMed 0.00003.
gnomAD v4.1: 14 of 1,611,512 alleles (0.00087%); highest among the groups gnomAD compares: African/African-American, 0.019%; no homozygotes.

Submission:

Labcorp Genetics (formerly Invitae), Labcorp
Classification: Uncertain significance for Primary ciliary dyskinesia. Last evaluated: 2020-08-27. Review status: criteria provided, single submitter. Criteria: Invitae Variant Classification Sherloc (09022015). Collection method: clinical testing. Allele origin: germline.
Comment: This variant has not been reported in the literature in individuals with DNAH8-related conditions. ClinVar contains an entry for this variant (Variation ID: 661720). In summary, the available evidence is currently insufficient to determine the role of this variant in disease. Therefore, it has been classified as a Variant of Uncertain Significance. Nucleotide substitutions within the consensus splice site are a relatively common cause of aberrant splicing (PMID: 17576681, 9536098). This variant is present in population databases (rs769901901, ExAC 0.01%). This sequence change falls in intron 16 of the DNAH8 gene. It does not directly change the encoded amino acid sequence of the DNAH8 protein, but it affects a nucleotide within the consensus splice site of the intron.

Literature cited by the submitters: PubMed 17576681; PubMed 9536098.

NM_001206927.2(DNAH8):c.2259+6C>T

Gene: DNAH8 (dynein axonemal heavy chain 8; plus strand). Cytogenetic location: 6p21.2.
Variant type: single nucleotide variant.
Coding change: c.2259+6C>T on transcript NM_001206927.2 (MANE Select); 6 bases into the intron after coding-DNA position 2259, C replaced by T.
Molecular consequence: intron variant.
Genome position (GRCh38, 1-based): chr6:38,781,379, C>T. VCF-style: chr6-38781379-C-T. GRCh37 (hg19) VCF-style: chr6-38749155-C-T.
Other names: c.1608+6C>T (NM_001371.4).
Identifiers: ClinVar variation 661720 (VCV000661720.7), dbSNP rs769901901, ClinGen allele CA3788463.
Genomic context (GRCh38, chr6:38,781,379, plus strand): 5'-ACTCTGGGTGAGGCAGCTCTATCGCCGGATAAGTGAGCCCATCAATTATTTCTTTGTAAG[C>T]CAAGAATTAAATTTTAATATGTGGATTTTGGTGGTTTTAATATAACAAATATATCATATC-3'